The following is an entry in ClinVar:

NR_033294.2(SNORD118):n.82dup

Genes: SNORD118 (small nucleolar RNA, C/D box 118; minus strand), TMEM107 (transmembrane protein 107; minus strand). Cytogenetic location: 17p13.1.
Variant type: Duplication.
Molecular consequence: non-coding transcript variant (on NR_033294.2). On other transcripts: 3 prime UTR variant (5).
Genome position: GRCh38 VCF-style: chr17-8173506-A-AT. GRCh37 (hg19) VCF-style: chr17-8076824-A-AT.
Other names: c.*696dup (NM_001351278.2, NM_001351279.2, NM_001351280.2 and 2 more transcripts).
Identifiers: ClinVar variation 1947381 (VCV001947381.2), dbSNP rs750431564, ClinGen allele CA8370661.

ClinVar aggregate classification (germline): Uncertain significance (1 of 4 stars; one submission).

Allele frequency attached by ClinVar (database versions not stated): gnomAD exomes 0.00002; ExAC 0.00003.

Submission:

Labcorp Genetics (formerly Invitae), Labcorp
Classification: Uncertain significance. Last evaluated: 2022-08-05. Review status: criteria provided, single submitter. Criteria: Invitae Variant Classification Sherloc (09022015). Collection method: clinical testing. Allele origin: germline.
Comment: This variant occurs in the SNORD118 gene, which encodes an RNA molecule that does not result in a protein product. This variant is present in population databases (rs750431564, gnomAD 0.02%). This variant has not been reported in the literature in individuals affected with SNORD118-related conditions. Experimental studies and prediction algorithms are not available or were not evaluated, and the functional significance of this variant is currently unknown. In summary, the available evidence is currently insufficient to determine the role of this variant in disease. Therefore, it has been classified as a Variant of Uncertain Significance.